The following is an entry in ClinVar:

ClinVar aggregate classification (germline): Benign. Review status: criteria provided, multiple submitters, no conflicts (2 of 4 stars). 2 submissions from 2 submitters: Benign (2). Last evaluated 2018-01-13.

Conditions:
Symmetrical dyschromatosis of extremities (DSH). Also called: Dyschromatosis symmetrica hereditaria; DYSCHROMATOSIS SYMMETRICA HEREDITARIA 1; RETICULATE ACROPIGMENTATION OF DOHI; SYMMETRIC DYSCHROMATOSIS OF THE EXTREMITIES. Identifiers: Orphanet 41, MedGen C0406775, MONDO:0007483, OMIM 127400.

Allele frequency attached by ClinVar (database versions not stated): gnomAD 0.29699 and 0.29977; 1000 Genomes Project 0.28634; TOPMed 0.28952; 1000 Genomes Project 30x 0.28732; gnomAD exomes 0.50000.
gnomAD v4.1: 45,202 of 152,014 alleles (30%); highest among the groups gnomAD compares: African/African-American, 31%; 6,752 homozygotes.

Submissions (2):

Illumina Laboratory Services, Illumina
Classification: Benign for Symmetrical dyschromatosis of extremities. Last evaluated: 2018-01-13. Review status: criteria provided, single submitter. Criteria: ICSL Variant Classification Criteria 13 December 2019. Collection method: clinical testing. Allele origin: germline.
Comment: This variant was observed in the ICSL laboratory as part of a predisposition screen in an ostensibly healthy population. It had not been previously curated by ICSL or reported in the Human Gene Mutation Database (HGMD: prior to June 1st, 2018), and was therefore a candidate for classification through an automated scoring system. Utilizing variant allele frequency, disease prevalence and penetrance estimates, and inheritance mode, an automated score was calculated to assess if this variant is too frequent to cause the disease. Based on the score and internal cut-off values, a variant classified as benign is not then subjected to further curation. The score for this variant resulted in a classification of benign for this disease.

Breakthrough Genomics
Classification: Benign. Review status: criteria provided, single submitter. Criteria: ACMG Guidelines, 2015. Collection method: not provided. Allele origin: germline. Inheritance: Autosomal recessive inheritance. Affected: yes.

NM_001111.5(ADAR):c.*1242A>C

Gene: ADAR (adenosine deaminase RNA specific; minus strand). Cytogenetic location: 1q21.3.
Variant type: single nucleotide variant.
Coding change: c.*1242A>C on transcript NM_001111.5 (MANE Select); 1242 bases downstream of the stop codon, A replaced by C.
Molecular consequence: 3 prime UTR variant.
Genome position (GRCh38, 1-based): chr1:154,583,564, T>G on the plus strand (A>C on the coding strand, the complement: ADAR is on the minus strand). VCF-style: chr1-154583564-T-G. GRCh37 (hg19) VCF-style: chr1-154556040-T-G.
Other names: c.*1242A>C (LRG_1212t1, NM_001025107.3, NM_001193495.2 and 7 more transcripts).
Identifiers: ClinVar variation 292726 (VCV000292726.6), dbSNP rs1127317, ClinGen allele CA10607894.